The following is an entry in ClinVar:

NC_000018.9:g.(?_6941740)_(7117797_?)dup

Gene: LAMA1 (laminin subunit alpha 1; minus strand). Cytogenetic location: 18p11.31-11.23.
Variant type: Duplication.
Identifiers: ClinVar variation 3375238 (VCV003375238.1).

ClinVar aggregate classification (germline): Uncertain significance (1 of 4 stars; one submission).

Submission:

Women's Health and Genetics/Laboratory Corporation of America, LabCorp
Classification: Uncertain significance. Last evaluated: 2024-09-24. Review status: criteria provided, single submitter. Criteria: LabCorp Variant Classification Summary - May 2015. Collection method: clinical testing. Allele origin: germline.
Comment: Variant summary: The variant involves the duplication of exons 1-63 of the LAMA1 gene. A presumed nomenclature of c.(?_-78)_(*338_?)dup has been designated for the purposes of this classification. This duplication includes the entire coding sequence of the gene. As exact breakpoints are unknown, it may extend beyond the annotated region of the gene, to include other flanking genes. A large duplication that includes the whole LAMA1 gene was found at a frequency of 8.6e-05 in 462882 control chromosomes (i.e. 40 / 464296 alleles) in the gnomAD database (CNVs v4.1 dataset). Large duplications that include the LAMA1 gene together with other flanking DNA regions have been reported in individuals with various phenotypes (HGMD), however no supporting evidence for causality was provided, in addition, a recent review of the literature regarding 18p11 microduplications (that might involve part- or whole of the LAMA1 gene) found not enough evidence supporting triplosensitivity for the LAMA1 gene (PMID 31461790). ClinVar contains an entry for this variant (Variation ID: 1443230). Based on the evidence outlined above, the variant was classified as uncertain significance.